The following is an entry in ClinVar:

NM_001430.5(EPAS1):c.1185G>C (p.Glu395Asp)

Gene: EPAS1 (endothelial PAS domain protein 1; plus strand). Cytogenetic location: 2p21.
Variant type: single nucleotide variant.
Coding change: c.1185G>C on transcript NM_001430.5 (MANE Select); coding-DNA position 1185, G replaced by C.
Protein change: p.Glu395Asp; replaces glutamic acid 395 with aspartic acid.
Molecular consequence: missense variant.
Genome position (GRCh38, 1-based): chr2:46,376,689, G>C. VCF-style: chr2-46376689-G-C. GRCh37 (hg19) VCF-style: chr2-46603828-G-C.
Other names: short protein forms E395D.
Identifiers: ClinVar variation 1743304 (VCV001743304.2), dbSNP rs2546471615, ClinGen allele CA346703370.

ClinVar aggregate classification (germline): Uncertain significance (1 of 4 stars; one submission).

Conditions:
Inborn genetic diseases. Identifiers: MedGen C0950123, MeSH D030342.

Allele frequency attached by ClinVar (database versions not stated): gnomAD exomes below 0.00001.
gnomAD v4.1: 2 of 1,613,806 alleles (0.00012%); highest among the groups gnomAD compares: South Asian, 0.0011%; no homozygotes.

Submission:

Ambry Genetics
Classification: Uncertain significance for Inborn genetic diseases. Last evaluated: 2022-10-24. Review status: criteria provided, single submitter. Criteria: Ambry Variant Classification Scheme 2023. Collection method: clinical testing. Allele origin: germline.
Comment: The p.E395D variant (also known as c.1185G>C), located in coding exon 9 of the EPAS1 gene, results from a G to C substitution at nucleotide position 1185. The glutamic acid at codon 395 is replaced by aspartic acid, an amino acid with highly similar properties. This amino acid position is conserved. In addition, this alteration is predicted to be tolerated by in silico analysis. Since supporting evidence is limited at this time, the clinical significance of this alteration remains unclear.